The following is an entry in ClinVar:

NM_003737.4(DCHS1):c.2353C>T (p.Pro785Ser)

Gene: DCHS1 (dachsous cadherin-related 1; minus strand). Cytogenetic location: 11p15.4.
Variant type: single nucleotide variant.
Coding change: c.2353C>T on transcript NM_003737.4 (MANE Select); coding-DNA position 2353, C replaced by T.
Protein change: p.Pro785Ser; replaces proline 785 with serine.
Molecular consequence: missense variant.
Genome position (GRCh38, 1-based): chr11:6,633,514, G>A on the plus strand (C>T on the coding strand, the complement: DCHS1 is on the minus strand). VCF-style: chr11-6633514-G-A. GRCh37 (hg19) VCF-style: chr11-6654745-G-A.
Other names: short protein forms P785S.
Identifiers: ClinVar variation 1972685 (VCV001972685.5), dbSNP rs2493831526, ClinGen allele CA379422136.

ClinVar aggregate classification (germline): Uncertain significance (1 of 4 stars; one submission).

gnomAD v4.1: 1 of 1,584,596 alleles (0.000063%); highest among the groups gnomAD compares: Admixed American, 0.0018%; no homozygotes.

Submission:

Labcorp Genetics (formerly Invitae), Labcorp
Classification: Uncertain significance. Last evaluated: 2024-09-06. Review status: criteria provided, single submitter. Criteria: Invitae Variant Classification Sherloc (09022015). Collection method: clinical testing. Allele origin: germline.
Comment: This sequence change replaces proline, which is neutral and non-polar, with serine, which is neutral and polar, at codon 785 of the DCHS1 protein (p.Pro785Ser). This variant is not present in population databases (gnomAD no frequency). This variant has not been reported in the literature in individuals affected with DCHS1-related conditions. ClinVar contains an entry for this variant (Variation ID: 1972685). Invitae Evidence Modeling of protein sequence and biophysical properties (such as structural, functional, and spatial information, amino acid conservation, physicochemical variation, residue mobility, and thermodynamic stability) indicates that this missense variant is not expected to disrupt DCHS1 protein function with a negative predictive value of 80%. In summary, the available evidence is currently insufficient to determine the role of this variant in disease. Therefore, it has been classified as a Variant of Uncertain Significance.